The following is an entry in ClinVar:

NM_001378183.1(PIEZO2):c.703+4A>G

Gene: PIEZO2 (piezo type mechanosensitive ion channel component 2; minus strand). Cytogenetic location: 18p11.22.
Variant type: single nucleotide variant.
Coding change: c.703+4A>G on transcript NM_001378183.1 (MANE Select); 4 bases into the intron after coding-DNA position 703, A replaced by G.
Molecular consequence: intron variant.
Genome position (GRCh38, 1-based): chr18:10,856,997, T>C on the plus strand (A>G on the coding strand, the complement: PIEZO2 is on the minus strand). VCF-style: chr18-10856997-T-C. GRCh37 (hg19) VCF-style: chr18-10856995-T-C.
Other names: c.703+4A>G (NM_022068.4, NM_001410871.1).
Identifiers: ClinVar variation 5002778 (VCV005002778.1).

ClinVar aggregate classification (germline): Uncertain significance (1 of 4 stars; one submission).

Conditions:
Arthrogryposis- oculomotor limitation-electroretinal anomalies syndrome. Also called: ARTHROGRYPOSIS, DISTAL, TYPE 5; ARTHROGRYPOSIS WITH OCULOMOTOR LIMITATION AND ELECTRORETINAL ABNORMALITIES; ARTHROGRYPOSIS, DISTAL, TYPE IIB. Identifiers: Orphanet 1154, MedGen C1862472, MONDO:0007158, OMIM 108145.

Submission:

OLLIN Analises Genomicas, OLLIN
Classification: Uncertain significance for Arthrogryposis- oculomotor limitation-electroretinal anomalies syndrome. Last evaluated: 2026-08-06. Review status: criteria provided, single submitter. Criteria: ACMG Guidelines 2015 PMID 25741868. Collection method: clinical testing. Allele origin: germline. Inheritance: Autosomal dominant inheritance.
Comment: This variant is absent from gnomAD and ClinVar and has not been found in the scientific literature. According to the currently available evidence, this variant has been classified as uncertain significance (PM2_P).